The following is an entry in ClinVar:

ClinVar aggregate classification (germline): Uncertain significance (1 of 4 stars; one submission).

Conditions:
Generalized epilepsy with febrile seizures plus, type 7 (GEFSP7). Also called: GEFS+, TYPE 7. Identifiers: Orphanet 36387, MedGen C2751778, MONDO:0013470, OMIM 613863.
Neuropathy, hereditary sensory and autonomic, type 2A (HSAN2A). Also called: HSAN IIA; NEUROPATHY, CONGENITAL SENSORY; NEUROPATHY, HEREDITARY SENSORY RADICULAR, AUTOSOMAL RECESSIVE; NEUROPATHY, HEREDITARY SENSORY, TYPE IIA; NEUROPATHY, PROGRESSIVE SENSORY, OF CHILDREN; MORVAN DISEASE. Identifiers: Orphanet 970, MedGen C2752089, MONDO:0024309, OMIM 201300.

Allele frequency attached by ClinVar (database versions not stated): gnomAD exomes below 0.00001; TOPMed 0.00001.
gnomAD v4.1: 2 of 1,613,990 alleles (0.00012%); highest among the groups gnomAD compares: Admixed American, 0.0017%; no homozygotes.

Submission:

Labcorp Genetics (formerly Invitae), Labcorp
Classification: Uncertain significance for Neuropathy, hereditary sensory and autonomic, type 2A; Generalized epilepsy with febrile seizures plus, type 7. Last evaluated: 2026-01-10. Review status: criteria provided, single submitter. Criteria: Invitae Variant Classification Sherloc (09022015). Collection method: clinical testing. Allele origin: germline.
Comment: This sequence change replaces aspartic acid, which is acidic and polar, with tyrosine, which is neutral and polar, at codon 1879 of the SCN9A protein (p.Asp1879Tyr). This variant is present in population databases (no rsID available, gnomAD 0.0009%). This variant has not been reported in the literature in individuals affected with SCN9A-related conditions. ClinVar contains an entry for this variant (Variation ID: 1357880). Invitae Evidence Modeling of protein sequence and biophysical properties (such as structural, functional, and spatial information, amino acid conservation, physicochemical variation, residue mobility, and thermodynamic stability) indicates that this missense variant is not expected to disrupt SCN9A protein function with a negative predictive value of 95%. In summary, the available evidence is currently insufficient to determine the role of this variant in disease. Therefore, it has been classified as a Variant of Uncertain Significance.

NM_001365536.1(SCN9A):c.5668G>T (p.Asp1890Tyr)

Genes: SCN9A (sodium voltage-gated channel alpha subunit 9; minus strand), SCN1A-AS1 (SCN1A and SCN9A antisense RNA 1; plus strand). Cytogenetic location: 2q24.3.
Variant type: single nucleotide variant.
Coding change: c.5668G>T on transcript NM_001365536.1 (MANE Select); coding-DNA position 5668, G replaced by T.
Protein change: p.Asp1890Tyr; replaces aspartic acid 1890 with tyrosine.
Molecular consequence: missense variant.
Genome position (GRCh38, 1-based): chr2:166,198,971, C>A on the plus strand (G>T on the coding strand, the complement: SCN9A is on the minus strand). VCF-style: chr2-166198971-C-A. GRCh37 (hg19) VCF-style: chr2-167055481-C-A.
Other names: c.5635G>T, p.Asp1879Tyr (NM_002977.4); short protein forms D1879Y, D1890Y.
Identifiers: ClinVar variation 1357880 (VCV001357880.8), dbSNP rs1165320984, ClinGen allele CA349051757.
Genomic context (GRCh38, chr2:166,198,971, plus strand): 5'-TGACATTTTGCCTTAAGCGGTAACGTCTATAAGCACGCTGAATGACAGTAGCAGACACAT[C>A]CTCTTGTTTCCGTTTTAGTGTGGTTGTGATGGGTTCATAGGACACTTTGGAAGGATTTGC-3'
Protein context (NP_001352465.1, residues 1880-1900): ITTTLKRKQE[Asp1890Tyr]VSATVIQRAY